The following is an entry in ClinVar:

NM_014795.4(ZEB2):c.917-2A>G

Gene: ZEB2 (zinc finger E-box binding homeobox 2; minus strand). Cytogenetic location: 2q22.3.
Variant type: single nucleotide variant.
Coding change: c.917-2A>G on transcript NM_014795.4 (MANE Select); the canonical splice acceptor site of the intron before coding-DNA position 917, A replaced by G.
Molecular consequence: splice acceptor variant.
Genome position (GRCh38, 1-based): chr2:144,400,272, T>C on the plus strand (A>G on the coding strand, the complement: ZEB2 is on the minus strand). VCF-style: chr2-144400272-T-C. GRCh37 (hg19) VCF-style: chr2-145157839-T-C.
Other names: c.845-2A>G (NM_001171653.2).
Identifiers: ClinVar variation 2091876 (VCV002091876.4), dbSNP rs2549107218, ClinGen allele CA348713437.

ClinVar aggregate classification (germline): Pathogenic (1 of 4 stars; one submission).

Conditions:
Mowat-Wilson syndrome (MOWS). Also called: Classic Mowat-Wilson Syndrome. Identifiers: Orphanet 2152, MedGen C1856113, MONDO:0009341, OMIM 235730.

Submission:

Labcorp Genetics (formerly Invitae), Labcorp
Classification: Pathogenic for Mowat-Wilson syndrome. Last evaluated: 2022-07-26. Review status: criteria provided, single submitter. Criteria: Invitae Variant Classification Sherloc (09022015). Collection method: clinical testing. Allele origin: germline.
Comment: This sequence change affects an acceptor splice site in intron 7 of the ZEB2 gene. RNA analysis indicates that disruption of this splice site induces altered splicing and may result in an absent or disrupted protein product. This variant is not present in population databases (gnomAD no frequency). Disruption of this splice site has been observed in individuals with Mowat-Wilson syndrome (PMID: 16053902, 25899569). Studies have shown that disruption of this splice site results in skipping of exon 8 and introduces a premature termination codon (PMID: 16053902). The resulting mRNA is expected to undergo nonsense-mediated decay. For these reasons, this variant has been classified as Pathogenic.

Literature cited by the submitters: PubMed 16053902; PubMed 25899569.